The following is an entry in ClinVar:

ClinVar aggregate classification (germline): Uncertain significance (1 of 4 stars; one submission).

Allele frequency attached by ClinVar (database versions not stated): TOPMed 0.00001.

Submission:

Labcorp Genetics (formerly Invitae), Labcorp
Classification: Uncertain significance. Last evaluated: 2023-11-08. Review status: criteria provided, single submitter. Criteria: Invitae Variant Classification Sherloc (09022015). Collection method: clinical testing. Allele origin: germline.
Comment: This sequence change replaces valine, which is neutral and non-polar, with leucine, which is neutral and non-polar, at codon 432 of the NEFH protein (p.Val432Leu). This variant is not present in population databases (gnomAD no frequency). This variant has not been reported in the literature in individuals affected with NEFH-related conditions. Advanced modeling of protein sequence and biophysical properties (such as structural, functional, and spatial information, amino acid conservation, physicochemical variation, residue mobility, and thermodynamic stability) performed at Invitae indicates that this missense variant is not expected to disrupt NEFH protein function with a negative predictive value of 95%. In summary, the available evidence is currently insufficient to determine the role of this variant in disease. Therefore, it has been classified as a Variant of Uncertain Significance.

NM_021076.4(NEFH):c.1294G>C (p.Val432Leu)

Gene: NEFH (neurofilament heavy chain; plus strand). Cytogenetic location: 22q12.2.
Variant type: single nucleotide variant.
Coding change: c.1294G>C on transcript NM_021076.4 (MANE Select); coding-DNA position 1294, G replaced by C.
Protein change: p.Val432Leu; replaces valine 432 with leucine.
Molecular consequence: missense variant.
Genome position (GRCh38, 1-based): chr22:29,488,934, G>C. VCF-style: chr22-29488934-G-C. GRCh37 (hg19) VCF-style: chr22-29884923-G-C.
Other names: short protein forms V432L.
Identifiers: ClinVar variation 2757275 (VCV002757275.3), dbSNP rs777777329, ClinGen allele CA411128894.